The following is an entry in ClinVar:

ClinVar aggregate classification (germline): Uncertain significance (1 of 4 stars; one submission).

Conditions:
Familial cancer of breast. Also called: BREAST CANCER, FAMILIAL; Hereditary breast cancer; hereditary breast carcinoma. Identifiers: Orphanet 227535, MedGen C0346153, MONDO:0016419, OMIM 114480. Disease mechanism: loss of function.

Submission:

Labcorp Genetics (formerly Invitae), Labcorp
Classification: Uncertain significance for Familial cancer of breast. Last evaluated: 2022-09-23. Review status: criteria provided, single submitter. Criteria: Invitae Variant Classification Sherloc (09022015). Collection method: clinical testing. Allele origin: germline.
Comment: In summary, the available evidence is currently insufficient to determine the role of this variant in disease. Therefore, it has been classified as a Variant of Uncertain Significance. This sequence change replaces serine, which is neutral and polar, with cysteine, which is neutral and slightly polar, at codon 397 of the BARD1 protein (p.Ser397Cys). This variant is not present in population databases (gnomAD no frequency). This variant has not been reported in the literature in individuals affected with BARD1-related conditions. ClinVar contains an entry for this variant (Variation ID: 1013819). Algorithms developed to predict the effect of missense changes on protein structure and function are either unavailable or do not agree on the potential impact of this missense change (SIFT: "Tolerated"; PolyPhen-2: "Possibly Damaging"; Align-GVGD: "Class C15").

NM_000465.4(BARD1):c.1190C>G (p.Ser397Cys)

Gene: BARD1 (BRCA1 associated RING domain 1; minus strand). Cytogenetic location: 2q35.
Variant type: single nucleotide variant.
Coding change: c.1190C>G on transcript NM_000465.4 (MANE Select); coding-DNA position 1190, C replaced by G.
Protein change: p.Ser397Cys; replaces serine 397 with cysteine.
Molecular consequence: missense variant. On other transcripts: non-coding transcript variant (2), intron variant (3).
Genome position (GRCh38, 1-based): chr2:214,780,684, G>C on the plus strand (C>G on the coding strand, the complement: BARD1 is on the minus strand). VCF-style: chr2-214780684-G-C. GRCh37 (hg19) VCF-style: chr2-215645408-G-C.
Other names: c.1133C>G, p.Ser378Cys (NM_001282543.2); c.159-28129C>G (NM_001282548.2); c.215+16377C>G (NM_001282545.2); c.364+11613C>G (NM_001282549.2); short protein forms S378C, S397C.
Identifiers: ClinVar variation 1013819 (VCV001013819.9), dbSNP rs375078644, ClinGen allele CA350453806.
Genomic context (GRCh38, chr2:214,780,684, plus strand): 5'-AACAGCTTCATTGCTGAGGGACTAGACATCACTCGCCTGTAACTTGAACTACTTAATGTA[G>C]AAGGTGGTGTACCTGGTGAAAGACTAATGAATTCATCGGACATGTTACTGTTTTTCCTCC-3'
Protein context (NP_000456.2, residues 387-407): FISLSPGTPP[Ser397Cys]TLSSSSYRRV